The following is an entry in ClinVar:

ClinVar aggregate classification (germline): Uncertain significance (1 of 4 stars; one submission).

Conditions:
ALG12-congenital disorder of glycosylation (CDG1G). Also called: CDG Ig; Congenital disorder of glycosylation, type Ig; ALG12-CDG. Identifiers: Orphanet 79324, MedGen C2931001, MONDO:0011783, OMIM 607143.

Allele frequency attached by ClinVar (database versions not stated): gnomAD exomes below 0.00001 and 0.00001; ExAC 0.00001.

Submission:

Labcorp Genetics (formerly Invitae), Labcorp
Classification: Uncertain significance for ALG12-congenital disorder of glycosylation. Last evaluated: 2021-04-14. Review status: criteria provided, single submitter. Criteria: Invitae Variant Classification Sherloc (09022015). Collection method: clinical testing. Allele origin: germline.
Comment: In summary, the available evidence is currently insufficient to determine the role of this variant in disease. Therefore, it has been classified as a Variant of Uncertain Significance. Algorithms developed to predict the effect of missense changes on protein structure and function (SIFT, PolyPhen-2, Align-GVGD) all suggest that this variant is likely to be disruptive, but these predictions have not been confirmed by published functional studies and their clinical significance is uncertain. This variant has not been reported in the literature in individuals with ALG12-related conditions. This variant is present in population databases (rs774052738, ExAC 0.01%). This sequence change replaces leucine with proline at codon 296 of the ALG12 protein (p.Leu296Pro). The leucine residue is moderately conserved and there is a moderate physicochemical difference between leucine and proline.

NM_024105.4(ALG12):c.887T>C (p.Leu296Pro)

Gene: ALG12 (ALG12 alpha-1,6-mannosyltransferase; minus strand). Cytogenetic location: 22q13.33.
Variant type: single nucleotide variant.
Coding change: c.887T>C on transcript NM_024105.4 (MANE Select); coding-DNA position 887, T replaced by C.
Protein change: p.Leu296Pro; replaces leucine 296 with proline.
Molecular consequence: missense variant.
Genome position (GRCh38, 1-based): chr22:49,907,826, A>G on the plus strand (T>C on the coding strand, the complement: ALG12 is on the minus strand). VCF-style: chr22-49907826-A-G. GRCh37 (hg19) VCF-style: chr22-50301474-A-G.
Other names: short protein forms L296P.
Identifiers: ClinVar variation 1421568 (VCV001421568.8), dbSNP rs774052738, ClinGen allele CA10300410.